The following is an entry in ClinVar:

ClinVar aggregate classification (germline): Uncertain significance (1 of 4 stars; one submission).

Conditions:
LRRC45-related disorder. Also called: LRRC45-related condition.

gnomAD v4.1: 1 of 1,611,104 alleles (0.000062%); highest among the groups gnomAD compares: African/African-American, 0.0013%; no homozygotes.

Submission:

PreventionGenetics, part of Exact Sciences
Classification: Uncertain significance for LRRC45-related condition. Last evaluated: 2026-07-22. Review status: criteria provided, single submitter. Criteria: ACMG Guidelines, 2015. Collection method: clinical testing. Allele origin: germline.
Comment: The LRRC45 c.885C>G variant is predicted to result in the amino acid substitution p.His295Gln. To our knowledge, this variant has not been reported in the literature or in a large population database (gnomAD), indicating this variant is rare. At this time, the clinical significance of this variant is uncertain due to the absence of conclusive functional and genetic evidence.

NM_144999.4(LRRC45):c.885C>G (p.His295Gln)

Gene: LRRC45 (leucine rich repeat containing 45; plus strand). Cytogenetic location: 17q25.3.
Variant type: single nucleotide variant.
Coding change: c.885C>G on transcript NM_144999.4 (MANE Select); coding-DNA position 885, C replaced by G.
Protein change: p.His295Gln; replaces histidine 295 with glutamine.
Molecular consequence: missense variant.
Genome position (GRCh38, 1-based): chr17:82,027,725, C>G. VCF-style: chr17-82027725-C-G. GRCh37 (hg19) VCF-style: chr17-79985601-C-G.
Other names: short protein forms H295Q.
Identifiers: ClinVar variation 4987417 (VCV004987417.1).